The following is an entry in ClinVar:

NM_001040142.2(SCN2A):c.1323G>C (p.Gln441His)

Gene: SCN2A (sodium voltage-gated channel alpha subunit 2; plus strand). Cytogenetic location: 2q24.3.
Variant type: single nucleotide variant.
Coding change: c.1323G>C on transcript NM_001040142.2 (MANE Select); coding-DNA position 1323, G replaced by C.
Protein change: p.Gln441His; replaces glutamine 441 with histidine.
Molecular consequence: missense variant.
Genome position (GRCh38, 1-based): chr2:165,314,048, G>C. VCF-style: chr2-165314048-G-C. GRCh37 (hg19) VCF-style: chr2-166170558-G-C.
Other names: c.1323G>C, p.Gln441His (NM_001040143.2, NM_001371246.1, NM_001371247.1 and 1 more transcripts); short protein forms Q441H.
Identifiers: ClinVar variation 3899674 (VCV003899674.1).

ClinVar aggregate classification (germline): Uncertain significance (1 of 4 stars; one submission).

Submission:

GeneDx
Classification: Uncertain significance. Last evaluated: 2024-11-14. Review status: criteria provided, single submitter. Criteria: GeneDx Variant Classification Process June 2021. Collection method: clinical testing. Allele origin: germline. Affected: yes.
Comment: Not observed at significant frequency in large population cohorts (gnomAD); In silico analysis supports that this missense variant has a deleterious effect on protein structure/function; Has not been previously published as pathogenic or benign to our knowledge; This substitution is predicted to be in the cytoplasmic loop between the first and second homologous domains